The following is an entry in ClinVar:

NM_021076.4(NEFH):c.628G>A (p.Glu210Lys)

Gene: NEFH (neurofilament heavy chain; plus strand). Cytogenetic location: 22q12.2.
Variant type: single nucleotide variant.
Coding change: c.628G>A on transcript NM_021076.4 (MANE Select); coding-DNA position 628, G replaced by A.
Protein change: p.Glu210Lys; replaces glutamic acid 210 with lysine.
Molecular consequence: missense variant.
Genome position (GRCh38, 1-based): chr22:29,480,890, G>A. VCF-style: chr22-29480890-G-A. GRCh37 (hg19) VCF-style: chr22-29876879-G-A.
Other names: short protein forms E210K.
Identifiers: ClinVar variation 1515668 (VCV001515668.6), dbSNP rs1170111571, ClinGen allele CA411123454.
Genomic context (GRCh38, chr22:29,480,890, plus strand): 5'-CGGCAGCGAGAGGAGGCCGAGGCGGCGGCCCGCGCGCTGGCGCGCTTCGCGCAGGAGGCC[G>A]AGGCGGCGCGCGTGGACCTGCAGAAGAAGGCGCAGGCGCTGCAGGAGGAGTGCGGCTACC-3'
Protein context (NP_066554.2, residues 200-220): RALARFAQEA[Glu210Lys]AARVDLQKKA

ClinVar aggregate classification (germline): Uncertain significance (1 of 4 stars; one submission).

Submission:

Labcorp Genetics (formerly Invitae), Labcorp
Classification: Uncertain significance. Last evaluated: 2023-01-30. Review status: criteria provided, single submitter. Criteria: Invitae Variant Classification Sherloc (09022015). Collection method: clinical testing. Allele origin: germline.
Comment: Advanced modeling of protein sequence and biophysical properties (such as structural, functional, and spatial information, amino acid conservation, physicochemical variation, residue mobility, and thermodynamic stability) performed at Invitae indicates that this missense variant is not expected to disrupt NEFH protein function. In summary, the available evidence is currently insufficient to determine the role of this variant in disease. Therefore, it has been classified as a Variant of Uncertain Significance. ClinVar contains an entry for this variant (Variation ID: 1515668). This variant has not been reported in the literature in individuals affected with NEFH-related conditions. This variant is not present in population databases (gnomAD no frequency). This sequence change replaces glutamic acid, which is acidic and polar, with lysine, which is basic and polar, at codon 210 of the NEFH protein (p.Glu210Lys).